The following is an entry in ClinVar:

NM_001036.6(RYR3):c.11474T>A (p.Ile3825Asn)

Gene: RYR3 (ryanodine receptor 3; plus strand). Cytogenetic location: 15q14.
Variant type: single nucleotide variant.
Coding change: c.11474T>A on transcript NM_001036.6 (MANE Select); coding-DNA position 11474, T replaced by A.
Protein change: p.Ile3825Asn; replaces isoleucine 3825 with asparagine.
Molecular consequence: missense variant.
Genome position (GRCh38, 1-based): chr15:33,834,978, T>A. VCF-style: chr15-33834978-T-A. GRCh37 (hg19) VCF-style: chr15-34127179-T-A.
Other names: c.11474T>A (NM_001036.3); c.11459T>A, p.Ile3820Asn (NM_001243996.4); short protein forms I3820N, I3825N.
Identifiers: ClinVar variation 946456 (VCV000946456.11), dbSNP rs558254515, ClinGen allele CA7461241.

ClinVar aggregate classification (germline): Uncertain significance. Review status: criteria provided, multiple submitters, no conflicts (2 of 4 stars). 2 submissions from 2 submitters: Uncertain significance (2). Last evaluated 2023-12-16.

Conditions:
Epileptic encephalopathy. Identifiers: MedGen C0543888, HP:0200134.

Allele frequency attached by ClinVar (database versions not stated): gnomAD exomes 0.00001; ExAC 0.00002; gnomAD 0.00004 and 0.00005; TOPMed 0.00009; 1000 Genomes Project 30x 0.00016; 1000 Genomes Project 0.00020.
gnomAD v4.1: 17 of 1,613,930 alleles (0.0011%); highest among the groups gnomAD compares: Admixed American, 0.023%; no homozygotes.

Submissions (2):

Ambry Genetics
Classification: Uncertain significance. Last evaluated: 2023-12-16. Review status: criteria provided, single submitter. Criteria: Ambry Variant Classification Scheme 2023. Collection method: clinical testing. Allele origin: germline.

Labcorp Genetics (formerly Invitae), Labcorp
Classification: Uncertain significance for Epileptic encephalopathy. Last evaluated: 2022-08-16. Review status: criteria provided, single submitter. Criteria: Invitae Variant Classification Sherloc (09022015). Collection method: clinical testing. Allele origin: germline.
Comment: Algorithms developed to predict the effect of missense changes on protein structure and function are either unavailable or do not agree on the potential impact of this missense change (SIFT: "Deleterious"; PolyPhen-2: "Possibly Damaging"; Align-GVGD: "Class C0"). ClinVar contains an entry for this variant (Variation ID: 946456). This variant has not been reported in the literature in individuals affected with RYR3-related conditions. This variant is present in population databases (rs558254515, gnomAD 0.009%). This sequence change replaces isoleucine, which is neutral and non-polar, with asparagine, which is neutral and polar, at codon 3825 of the RYR3 protein (p.Ile3825Asn). In summary, the available evidence is currently insufficient to determine the role of this variant in disease. Therefore, it has been classified as a Variant of Uncertain Significance.